The following is an entry in ClinVar:

ClinVar aggregate classification (germline): Benign/Likely benign. Review status: criteria provided, multiple submitters, no conflicts (2 of 4 stars). 2 submissions from 2 submitters: Benign (1); Likely benign (1). Last evaluated 2026-04-01.

Allele frequency attached by ClinVar (database versions not stated): gnomAD exomes 0.00004; TOPMed 0.00004; gnomAD 0.00005; ExAC 0.00006.
gnomAD v4.1: 50 of 1,202,579 alleles (0.0042%); highest among the groups gnomAD compares: Non-Finnish European, 0.0055%; no homozygotes.

Submissions (2):

CeGaT Center for Human Genetics Tuebingen
Classification: Likely benign. Last evaluated: 2026-04-01. Review status: criteria provided, single submitter. Criteria: CeGaT Center For Human Genetics Tuebingen Variant Classification Criteria Version 2. Collection method: clinical testing. Allele origin: germline. Affected: yes. Observed: 1 variant allele.
Comment: STAG2: BP4, BP7, BS2

Labcorp Genetics (formerly Invitae), Labcorp
Classification: Benign. Last evaluated: 2024-11-22. Review status: criteria provided, single submitter. Criteria: Invitae Variant Classification Sherloc (09022015). Collection method: clinical testing. Allele origin: germline.

NM_001042750.2(STAG2):c.2488T>C (p.Leu830=)

Gene: STAG2 (STAG2 cohesin complex component; plus strand). Cytogenetic location: Xq25.
Variant type: single nucleotide variant.
Coding change: c.2488T>C on transcript NM_001042750.2 (MANE Select); coding-DNA position 2488, T replaced by C.
Protein change: p.Leu830=; no amino-acid change (leucine 830 retained).
Molecular consequence: synonymous variant.
Genome position (GRCh38, 1-based): chrX:124,071,278, T>C. VCF-style: chrX-124071278-T-C. GRCh37 (hg19) VCF-style: chrX-123205128-T-C.
Other names: c.2488T>C, p.Leu830= (NM_001042749.2, NM_001042751.2, NM_001282418.2 and 13 more transcripts).
Identifiers: ClinVar variation 2909884 (VCV002909884.5), dbSNP rs761320044, ClinGen allele CA10509013.